The following is an entry in ClinVar:

NM_002547.3(OPHN1):c.1361G>A (p.Arg454Lys)

Gene: OPHN1 (oligophrenin 1; minus strand). Cytogenetic location: Xq12.
Variant type: single nucleotide variant.
Coding change: c.1361G>A on transcript NM_002547.3 (MANE Select); coding-DNA position 1361, G replaced by A.
Protein change: p.Arg454Lys; replaces arginine 454 with lysine.
Molecular consequence: missense variant.
Genome position (GRCh38, 1-based): chrX:68,119,248, C>T on the plus strand (G>A on the coding strand, the complement: OPHN1 is on the minus strand). VCF-style: chrX-68119248-C-T. GRCh37 (hg19) VCF-style: chrX-67339090-C-T.
Other names: short protein forms R454K.
Identifiers: ClinVar variation 636256 (VCV000636256.3), dbSNP rs1602169116, ClinGen allele CA413431935.
Genomic context (GRCh38, chrX:68,119,248, plus strand): 5'-AACACCCAGAGAAATTTCACCAGCTATGAAAAGCAAACTCCCAATTCAAATCAGGCATAC[C>T]TGAGGTAGAATTTCAAGGAGCTGGTGATTGTCTTAATGTCCCAGTCACTATTATGAAAAT-3'
Protein context (NP_002538.1, residues 444-464): TITSSLKFYL[Arg454Lys]NLSEPVMTYR

ClinVar aggregate classification (germline): Likely pathogenic (1 of 4 stars; one submission).

Conditions:
Intellectual developmental disorder, X-linked, syndromic, Billuart type. Also called: MENTAL RETARDATION, X-LINKED 60; X-linked intellectual disability-cerebellar hypoplasia syndrome. Identifiers: Orphanet 137831, MedGen C1845366, MONDO:0010337, OMIM 300486.

Submission:

Undiagnosed Diseases Network, NIH
Classification: Likely pathogenic for Intellectual developmental disorder, X-linked, syndromic, Billuart type. Last evaluated: 2018-12-05. Review status: criteria provided, single submitter. Criteria: ACMG Guidelines, 2015. Collection method: clinical testing. Allele origin: de novo. Inheritance: X-linked inheritance. Affected: yes. Observed: 1 variant allele, 1 hemizygote.
Comment: A hemizygous c.1361G>A (p.R454K) likely pathogenic variant in the OPHN1 gene was detected by exome sequencing and confirmed by Sanger sequencing. This variant alters the last nucleotide of exon 16. While not validated for clinical use, in silico tools predict that the c.1361G>A change affects the mRNA splicing.